The following is an entry in ClinVar:

NM_017617.5(NOTCH1):c.5690C>T (p.Thr1897Met)

Gene: NOTCH1 (notch receptor 1; minus strand). Cytogenetic location: 9q34.3.
Variant type: single nucleotide variant.
Coding change: c.5690C>T on transcript NM_017617.5 (MANE Select); coding-DNA position 5690, C replaced by T.
Protein change: p.Thr1897Met; replaces threonine 1897 with methionine.
Molecular consequence: missense variant.
Genome position (GRCh38, 1-based): chr9:136,500,796, G>A on the plus strand (C>T on the coding strand, the complement: NOTCH1 is on the minus strand). VCF-style: chr9-136500796-G-A. GRCh37 (hg19) VCF-style: chr9-139395248-G-A.
Other names: c.5690C>T, p.Thr1897Met (LRG_1122t1); short protein forms T1897M.
Identifiers: ClinVar variation 263950 (VCV000263950.15), dbSNP rs746237272, ClinGen allele CA5340151.

ClinVar aggregate classification (germline): Conflicting classifications of pathogenicity. Review status: criteria provided, conflicting classifications (1 of 4 stars). 4 submissions from 3 submitters: Uncertain significance (3); Benign (1). Last evaluated 2024-12-16.

Conditions:
Adams-Oliver syndrome 5 (AOS5). Identifiers: Orphanet 974, MedGen C4014970, MONDO:0014459, OMIM 616028.
Familial thoracic aortic aneurysm and aortic dissection (TAAD). Also called: Thoracic aortic aneurysms and dissections. Identifiers: Orphanet 91387, MedGen C4707243, MONDO:0019625.
Aortic valve disease 1 (AOVD1). Identifiers: MedGen C3887892, MONDO:0024523, OMIM 109730.

Allele frequency attached by ClinVar (database versions not stated): TOPMed below 0.00001; gnomAD 0.00001; gnomAD exomes 0.00003; ExAC 0.00004.
gnomAD v4.1: 44 of 1,600,614 alleles (0.0027%); highest among the groups gnomAD compares: South Asian, 0.0099%; no homozygotes.

Submissions (4):

Labcorp Genetics (formerly Invitae), Labcorp
Classification: Benign for Adams-Oliver syndrome 5. Last evaluated: 2024-12-16. Review status: criteria provided, single submitter. Criteria: Invitae Variant Classification Sherloc (09022015). Collection method: clinical testing. Allele origin: germline.

Genome-Nilou Lab
Classification: Uncertain significance for Adams-Oliver syndrome 5. Last evaluated: 2022-03-15. Review status: criteria provided, single submitter. Criteria: ACMG Guidelines, 2015. Collection method: clinical testing. Allele origin: germline. Affected: no.

Genome-Nilou Lab
Classification: Uncertain significance for Aortic valve disease 1. Last evaluated: 2022-03-15. Review status: criteria provided, single submitter. Criteria: ACMG Guidelines, 2015. Collection method: clinical testing. Allele origin: germline. Affected: no.

Ambry Genetics
Classification: Uncertain significance for Familial thoracic aortic aneurysm and aortic dissection. Last evaluated: 2015-03-26. Review status: criteria provided, single submitter. Criteria: Ambry Variant Classification Scheme 2023. Collection method: clinical testing. Allele origin: germline.
Comment: The p.T1897M variant (also known as c.5690C>T), located in coding exon 31 of the NOTCH1 gene, results from a C to T substitution at nucleotide position 5690. The threonine at codon 1897 is replaced by methionine, an amino acid with some similar properties. This variant was not reported in population based cohorts in the following databases: Database of Single Nucleotide Polymorphisms (dbSNP), NHLBI Exome Sequencing Project (ESP), and 1000 Genomes Project. In the ESP, this variant was not observed in 6245 samples (12490 alleles) with coverage at this position. This amino acid position is highly conserved in available vertebrates, however methionine is the reference amino acid in one species. In addition, this alteration is predicted to be tolerated by in silico analysis. Since supporting evidence is limited at this time, the clinical significance of this variant remains unclear.